The following is an entry in ClinVar:

NM_002249.6(KCNN3):c.1342C>T (p.Arg448Cys)

Gene: KCNN3 (potassium calcium-activated channel subfamily N member 3; minus strand). Cytogenetic location: 1q21.3.
Variant type: single nucleotide variant.
Coding change: c.1342C>T on transcript NM_002249.6 (MANE Select); coding-DNA position 1342, C replaced by T.
Protein change: p.Arg448Cys; replaces arginine 448 with cysteine.
Molecular consequence: missense variant.
Genome position (GRCh38, 1-based): chr1:154,772,081, G>A on the plus strand (C>T on the coding strand, the complement: KCNN3 is on the minus strand). VCF-style: chr1-154772081-G-A. GRCh37 (hg19) VCF-style: chr1-154744557-G-A.
Other names: c.1342C>T, p.Arg448Cys (NM_001204087.2); c.403C>T, p.Arg135Cys (NM_001365837.1, NM_001365838.1); c.427C>T, p.Arg143Cys (NM_170782.3); short protein forms R143C, R135C, R448C.
Identifiers: ClinVar variation 4622550 (VCV004622550.1).
Genomic context (GRCh38, chr1:154,772,081, plus strand): 5'-TGCTGAACACGAGCAGCACAGTGCCAGGGCAGATGGTCATGAGCGTCTTCATGACAAAGC[G>A]GGTGTTGAAGTTGATCTTGTTGAGGGCCCCGATGCTGCGGGACGAGGCATCGGTGAAGAG-3'
Protein context (NP_002240.3, residues 438-458): GALNKINFNT[Arg448Cys]FVMKTLMTIC

ClinVar aggregate classification (germline): Uncertain significance (1 of 4 stars; one submission).

Conditions:
Inborn genetic diseases. Identifiers: MedGen C0950123, MeSH D030342.

gnomAD v4.1: 2 of 1,614,084 alleles (0.00012%); highest among the groups gnomAD compares: East Asian, 0.0022%; no homozygotes.

Submission:

Ambry Genetics
Classification: Uncertain significance for Inborn genetic diseases. Last evaluated: 2025-10-07. Review status: criteria provided, single submitter. Criteria: Ambry Variant Classification Scheme 2023. Collection method: clinical testing. Allele origin: germline.
Comment: The c.1342C>T (p.R448C) alteration is located in exon 3 (coding exon 3) of the KCNN3 gene. This alteration results from a C to T substitution at nucleotide position 1342, causing the arginine (R) at amino acid position 448 to be replaced by a cysteine (C). Based on data from gnomAD, the T allele has an overall frequency of <0.001% (1/251444) total alleles studied. The highest observed frequency was 0.005% (1/18394) of East Asian alleles. Based on insufficient or conflicting evidence, the clinical significance of this alteration remains unclear.